The following is an entry in ClinVar:

NM_001267550.2(TTN):c.93595G>A (p.Glu31199Lys)

Genes: TTN (titin; minus strand), TTN-AS1 (TTN antisense RNA 1; plus strand). Cytogenetic location: 2q31.2.
Variant type: single nucleotide variant.
Coding change: c.93595G>A on transcript NM_001267550.2 (MANE Select); coding-DNA position 93595, G replaced by A.
Protein change: p.Glu31199Lys; replaces glutamic acid 31199 with lysine.
Molecular consequence: missense variant.
Genome position (GRCh38, 1-based): chr2:178,548,031, C>T on the plus strand (G>A on the coding strand, the complement: TTN is on the minus strand). VCF-style: chr2-178548031-C-T. GRCh37 (hg19) VCF-style: chr2-179412758-C-T.
Other names: p.Glu29558Lys; c.88672G>A, p.Glu29558Lys (NM_001256850.1); c.66400G>A, p.Glu22134Lys (NM_003319.4); c.85891G>A, p.Glu28631Lys (NM_133378.4); c.66775G>A, p.Glu22259Lys (NM_133432.3); c.66976G>A, p.Glu22326Lys (NM_133437.4); short protein forms E22134K, E22259K, E22326K, E28631K, E29558K, E31199K.
Identifiers: ClinVar variation 2682760 (VCV002682760.1), dbSNP rs2469113851, ClinGen allele CA349482077.

ClinVar aggregate classification (germline): Uncertain significance (1 of 4 stars; one submission).

Submission:

Mayo Clinic Laboratories, Mayo Clinic
Classification: Uncertain significance. Last evaluated: 2022-12-21. Review status: criteria provided, single submitter. Criteria: ACMG Guidelines, 2015. Collection method: clinical testing. Allele origin: germline. Observed: 1 variant allele.
Comment: BP1, PM2_supporting